The following is an entry in ClinVar:

ClinVar aggregate classification (germline): Uncertain significance (1 of 4 stars; one submission).

Allele frequency attached by ClinVar (database versions not stated): gnomAD exomes below 0.00001; TOPMed below 0.00001; gnomAD 0.00001.

Submission:

Labcorp Genetics (formerly Invitae), Labcorp
Classification: Uncertain significance. Last evaluated: 2025-12-16. Review status: criteria provided, single submitter. Criteria: Invitae Variant Classification Sherloc (09022015). Collection method: clinical testing. Allele origin: germline.
Comment: This sequence change falls in intron 5 of the SRP72 gene. It does not directly change the encoded amino acid sequence of the SRP72 protein. This variant is present in population databases (no rsID available, gnomAD 0.01%). This variant has not been reported in the literature in individuals affected with SRP72-related conditions. ClinVar contains an entry for this variant (Variation ID: 1933231). Algorithms developed to predict the effect of sequence changes on RNA splicing suggest that this variant may create or strengthen a splice site. In summary, the available evidence is currently insufficient to determine the role of this variant in disease. Therefore, it has been classified as a Variant of Uncertain Significance.

NM_006947.4(SRP72):c.611-15A>G

Gene: SRP72 (signal recognition particle 72; plus strand). Cytogenetic location: 4q12.
Variant type: single nucleotide variant.
Coding change: c.611-15A>G on transcript NM_006947.4 (MANE Select); 15 bases into the intron before coding-DNA position 611, A replaced by G.
Molecular consequence: intron variant.
Genome position (GRCh38, 1-based): chr4:56,476,656, A>G. VCF-style: chr4-56476656-A-G. GRCh37 (hg19) VCF-style: chr4-57342822-A-G.
Other names: c.611-15A>G (NM_001267722.2).
Identifiers: ClinVar variation 1933231 (VCV001933231.5), dbSNP rs1194816925, ClinGen allele CA551766694.